The following is an entry in ClinVar:

NM_004826.4(ECEL1):c.328C>G (p.Arg110Gly)

Gene: ECEL1 (endothelin converting enzyme like 1; minus strand). Cytogenetic location: 2q37.1.
Variant type: single nucleotide variant.
Coding change: c.328C>G on transcript NM_004826.4 (MANE Select); coding-DNA position 328, C replaced by G.
Protein change: p.Arg110Gly; replaces arginine 110 with glycine.
Molecular consequence: missense variant.
Genome position (GRCh38, 1-based): chr2:232,486,326, G>C on the plus strand (C>G on the coding strand, the complement: ECEL1 is on the minus strand). VCF-style: chr2-232486326-G-C. GRCh37 (hg19) VCF-style: chr2-233351036-G-C.
Other names: c.328C>G, p.Arg110Gly (NM_001290787.2); short protein forms R110G.
Identifiers: ClinVar variation 709369 (VCV000709369.11), dbSNP rs202167077, ClinGen allele CA2167620.

ClinVar aggregate classification (germline): Conflicting classifications of pathogenicity. Review status: criteria provided, conflicting classifications (1 of 4 stars). 5 submissions from 5 submitters: Uncertain significance (1); Benign (1); Likely benign (2). 1 of the submissions does not count toward it. Last evaluated 2024-11-25.

Conditions:
ECEL1-related disorder. Also called: ECEL1-related condition.
Inborn genetic diseases. Identifiers: MedGen C0950123, MeSH D030342.

Allele frequency attached by ClinVar (database versions not stated): ExAC 0.00120; 1000 Genomes Project 30x 0.00172; 1000 Genomes Project 0.00200; ESP Exome Variant Server 0.00310; TOPMed 0.00350.
gnomAD v4.1: 895 of 1,571,230 alleles (0.057%); highest among the groups gnomAD compares: African/African-American, 1.1%; 4 homozygotes.

Submissions (5):

Blueprint Genetics
Classification: Likely benign. Last evaluated: 2024-11-25. Review status: criteria provided, single submitter. Criteria: ACMG Guidelines, 2015. Collection method: clinical testing. Allele origin: germline.

Ambry Genetics
Classification: Uncertain significance for Inborn genetic diseases. Last evaluated: 2024-06-26. Review status: criteria provided, single submitter. Criteria: Ambry Variant Classification Scheme 2023. Collection method: clinical testing. Allele origin: germline.

GeneDx
Classification: Likely benign. Last evaluated: 2022-11-09. Review status: criteria provided, single submitter. Criteria: GeneDx Variant Classification Process June 2021. Collection method: clinical testing. Allele origin: germline. Affected: yes.
Comment: See Variant Classification Assertion Criteria.

Labcorp Genetics (formerly Invitae), Labcorp
Classification: Benign. Last evaluated: 2019-12-31. Review status: criteria provided, single submitter. Criteria: Invitae Variant Classification Sherloc (09022015). Collection method: clinical testing. Allele origin: germline.

PreventionGenetics, part of Exact Sciences
Classification: Benign for ECEL1-related condition. Last evaluated: 2022-03-31. Review status: no assertion criteria provided. Collection method: clinical testing. Allele origin: germline. Not counted in ClinVar's aggregate classification.
Comment: This variant is classified as benign based on ACMG/AMP sequence variant interpretation guidelines (Richards et al. 2015 PMID: 25741868, with internal and published modifications).